The following is an entry in ClinVar:

ClinVar aggregate classification (germline): Likely pathogenic (1 of 4 stars; one submission).

Conditions:
Senior-Loken syndrome 6 (SLSN6). Identifiers: Orphanet 3156, MedGen C1857779, MONDO:0012433, OMIM 610189.
Meckel syndrome, type 4 (MKS4). Also called: MECKEL-GRUBER SYNDROME, TYPE 4. Identifiers: Orphanet 564, MedGen C1970161, MONDO:0012626, OMIM 611134.
Joubert syndrome 5 (JBTS5). Identifiers: Orphanet 2318, MedGen C1857780, MONDO:0012432, OMIM 610188.
Bardet-Biedl syndrome 14 (BBS14). Identifiers: Orphanet 110, MedGen C2673874, MONDO:0014442, OMIM 615991.
Leber congenital amaurosis 10 (LCA10). Identifiers: Orphanet 65, MedGen C1857821, MONDO:0012723, OMIM 611755.

Submission:

Juno Genomics, Hangzhou Juno Genomics, Inc
Classification: Likely pathogenic for Bardet-Biedl syndrome 14; Joubert syndrome 5; Leber congenital amaurosis 10; Meckel syndrome, type 4; Senior-Loken syndrome 6. Review status: criteria provided, single submitter. Criteria: ACMG Guidelines, 2015. Collection method: clinical testing. Allele origin: germline.
Comment: Null variant in a gene where loss of function (LOF) is a known mechanism of disease.;Absent from controls (or at extremely low frequency if recessive) in Genome Aggregation Database.

NM_025114.4(CEP290):c.2923A>T (p.Lys975Ter)

Gene: CEP290 (centrosomal protein 290; minus strand). Cytogenetic location: 12q21.32.
Variant type: single nucleotide variant.
Coding change: c.2923A>T on transcript NM_025114.4 (MANE Select); coding-DNA position 2923, A replaced by T.
Protein change: p.Lys975Ter; replaces lysine 975 with a stop codon.
Molecular consequence: nonsense.
Genome position (GRCh38, 1-based): chr12:88,102,906, T>A on the plus strand (A>T on the coding strand, the complement: CEP290 is on the minus strand). VCF-style: chr12-88102906-T-A. GRCh37 (hg19) VCF-style: chr12-88496683-T-A.
Other names: short protein forms K975*.
Identifiers: ClinVar variation 5005196 (VCV005005196.2).